The following is an entry in ClinVar:

NM_000257.4(MYH7):c.1888+1G>A

Gene: MYH7 (myosin heavy chain 7; minus strand). Cytogenetic location: 14q11.2.
Variant type: single nucleotide variant.
Coding change: c.1888+1G>A on transcript NM_000257.4 (MANE Select); the canonical splice donor site of the intron after coding-DNA position 1888, G replaced by A.
Molecular consequence: splice donor variant.
Genome position (GRCh38, 1-based): chr14:23,427,584, C>T on the plus strand (G>A on the coding strand, the complement: MYH7 is on the minus strand). VCF-style: chr14-23427584-C-T. GRCh37 (hg19) VCF-style: chr14-23896793-C-T.
Other names: c.1888+1G>A (NM_001407004.1).
Identifiers: ClinVar variation 180441 (VCV000180441.11), dbSNP rs113186231, ClinGen allele CA011391.

ClinVar aggregate classification (germline): Uncertain significance. Review status: reviewed by expert panel (3 of 4 stars). 7 submissions from 7 submitters: Uncertain significance (1). 6 of the submissions do not count toward it. Last evaluated 2025-11-11.

Conditions:
Cardiomyopathy (CMYO). Also called: Cardiomyopathies. Identifiers: Orphanet 167848, MedGen C0878544, MONDO:0004994, HP:0001638. Inheritance: Various modes of inheritance.
Hypertrophic cardiomyopathy 1 (CMH1). Also called: Familial hypertrophic cardiomyopathy 1; MYH7-Related Familial Hypertrophic Cardiomyopathy. Identifiers: MedGen C3495498, MONDO:0008647, OMIM 192600.
Hypertrophic cardiomyopathy. Also called: HYPERTROPHIC MYOCARDIOPATHY. Identifiers: Orphanet 217569, MedGen C0007194, MeSH D002312, MONDO:0005045, HP:0001639.

Allele frequency attached by ClinVar (database versions not stated): TOPMed 0.00002; ExAC 0.00001.
gnomAD v4.1: 7 of 1,614,020 alleles (0.00043%); highest among the groups gnomAD compares: African/African-American, 0.0013%; no homozygotes.

Submissions (7):

ClinGen Cardiomyopathy Variant Curation Expert Panel
Classification: Uncertain significance for Hypertrophic cardiomyopathy. Last evaluated: 2025-11-11. Review status: reviewed by expert panel. Criteria: ClinGen CMP ACMG Specifications v1. Collection method: curation. Allele origin: germline. Inheritance: Autosomal dominant inheritance.
Comment: The NM_000257.4(MYH7):c.1888+1G>A variant has been identified in at least 1 individual with LVNC and a reduced ejection fraction (GeneDx pers. comm.); however, this is insufficient to apply the PS4 criterion. This variant was identified in 0.003% (1/30600) of South Asian chromosomes by gnomAD v2.1.1 (PM2). This splice variant is predicted to abolish the canonical splice site and impact splicing, which often leads to a truncated or absent protein; however, the contribution of LOF variants in MYH7 to autosomal dominant inherited cardiomyopathy is incompletely understood and therefore PVS1 was not applied. In summary, due to insufficient evidence, this variant is classified as uncertain significance for cardiomyopathy in an autosomal dominant manner. MYH7-specific ACMG/AMP criteria applied (Kelly 2018 PMID:29300372): PM2.

3billion
Classification: Uncertain significance for Hypertrophic cardiomyopathy 1. Last evaluated: 2025-05-14. Review status: criteria provided, single submitter. Criteria: ACMG Guidelines, 2015. Collection method: clinical testing. Allele origin: germline. Affected: yes. Not counted in ClinVar's aggregate classification.
Comment: The variant is observed at an extremely low frequency in the gnomAD v4.1.0 dataset (total allele frequency: <0.001%). Predicted Consequence/Location: Canonical splice site: predicted to alter splicing and result in a loss or disruption of normal protein function. Multiple pathogenic loss-of-function variants are reported downstream of the variant. In silico tools predict the variant to alter splicing and produce an abnormal transcript [SpliceAI: 0.99 (spliceogenicity >=0.2, non-spliceogenicity <0.1)]. The variant has been reported to be associated with MYH7-related disorder (ClinVar ID: VCV000180441 /PMID: 33906374). Therefore, this variant is classified as VUS according to the recommendation of ACMG/AMP guideline.

Labcorp Genetics (formerly Invitae), Labcorp
Classification: Uncertain significance for Hypertrophic cardiomyopathy. Last evaluated: 2025-02-19. Review status: criteria provided, single submitter. Criteria: Invitae Variant Classification Sherloc (09022015). Collection method: clinical testing. Allele origin: germline. Not counted in ClinVar's aggregate classification.
Comment: This sequence change affects a donor splice site in intron 16 of the MYH7 gene. It is expected to disrupt RNA splicing. Variants that disrupt the donor or acceptor splice site typically lead to a loss of protein function (PMID: 16199547), however the current clinical and genetic evidence is not sufficient to establish whether loss-of-function variants in MYH7 cause disease. The frequency data for this variant in the population databases is considered unreliable, as metrics indicate poor data quality at this position in the gnomAD database. Disruption of this splice site has been observed in individual(s) with dilated cardiomyopathy (PMID: 33906374). ClinVar contains an entry for this variant (Variation ID: 180441). Algorithms developed to predict the effect of sequence changes on RNA splicing suggest that this variant may disrupt the consensus splice site. In summary, the available evidence is currently insufficient to determine the role of this variant in disease. Therefore, it has been classified as a Variant of Uncertain Significance.

Color Diagnostics, LLC DBA Color Health
Classification: Uncertain significance for Cardiomyopathy. Last evaluated: 2023-09-05. Review status: criteria provided, single submitter. Criteria: ACMG Guidelines, 2015. Collection method: clinical testing. Allele origin: germline. Not counted in ClinVar's aggregate classification.
Comment: This variant causes a G to A nucleotide substitution at the +1 position of intron 16 of the MYH7 gene. Although functional studies have not been reported for this variant, this variant is likely to result in the absent or non-functional gene product. This variant has not been reported in individuals affected with MYH7-related disorders in the literature. This variant has been identified in 1/250926 chromosomes in the general population by the Genome Aggregation Database (gnomAD). Clinical relevance of loss-of-function MYH7 truncation and splice variants in autosomal dominant cardiovascular disorders is not clearly established. The available evidence is insufficient to determine the role of this variant in disease conclusively. Therefore, this variant is classified as a Variant of Uncertain Significance.

Blueprint Genetics
Classification: Uncertain significance. Last evaluated: 2022-08-08. Review status: criteria provided, single submitter. Criteria: ACMG Guidelines, 2015. Collection method: clinical testing. Allele origin: germline. Not counted in ClinVar's aggregate classification.

Laboratory for Molecular Medicine, Mass General Brigham Personalized Medicine
Classification: Likely pathogenic for Hypertrophic cardiomyopathy. Last evaluated: 2019-10-14. Review status: criteria provided, single submitter. Criteria: ACMG Guidelines, 2015. Collection method: clinical testing. Allele origin: germline. Inheritance: Autosomal recessive inheritance. Not counted in ClinVar's aggregate classification.
Comment: The c.1888+1G>A variant in MYH7 has not been previously reported in individuals with cardiomyopathy but has been identified in 1/30600 South Asian chromosomes by gnomAD. This variant occurs within the canonical splice site (+/- 1,2) and is predicted to cause altered splicing leading to an abnormal or absent protein. Although heterozygous loss-of-function (LOF) variants in MYH7, such as this variant, are not believed to be pathogenic for dominant forms of cardiomyopathy, there is evidence that can they lead to severe and early onset disease when present in trans with a second MYH7 variant (LMM data). In summary, although additional studies are required to fully establish its clinical significance, this variant meets criteria to be classified as likely pathogenic for autosomal recessive cardiomyopathy. ACMG/AMP Criteria applied: PVS1, PM2.

GeneDx
Classification: Uncertain significance. Last evaluated: 2017-01-09. Review status: criteria provided, single submitter. Criteria: GeneDx Variant Classification (06012015). Collection method: clinical testing. Allele origin: germline. Affected: yes. Not counted in ClinVar's aggregate classification.
Comment: A variant of uncertain significance has been identified in the MYH7 gene. The c.1888+1 G>A variant has not been published as pathogenic or been reported as benign to our knowledge. This variant is not observed at a significant frequency in large population cohorts (Lek et al., 2016; 1000 Genomes Consortium et al., 2015; Exome Variant Server). The c.1888+1 G>A variant destroys the canonical splice donor site in intron 16 and is predicted to cause abnormal gene splicing. However, although other splice site variants in the MYH7 gene have been reported in the Human Gene Mutation Database in association with cardiomyopathy (Stenson et al., 2014), loss-of-function is not a recognized mechanism of disease in the MYH7 gene.

Literature cited by the submitters: PubMed 33906374 (cited by 3billion and Labcorp Genetics (formerly Invitae), Labcorp); PubMed 16199547 (cited by Labcorp Genetics (formerly Invitae), Labcorp).